The following is an entry in ClinVar:

NM_001039348.3(EFEMP1):c.778G>A (p.Ala260Thr)

Gene: EFEMP1 (EGF-like fibulin extracellular matrix protein 1; minus strand). Cytogenetic location: 2p16.1.
Variant type: single nucleotide variant.
Coding change: c.778G>A on transcript NM_001039348.3 (MANE Select); coding-DNA position 778, G replaced by A.
Protein change: p.Ala260Thr; replaces alanine 260 with threonine.
Molecular consequence: missense variant.
Genome position (GRCh38, 1-based): chr2:55,876,725, C>T on the plus strand (G>A on the coding strand, the complement: EFEMP1 is on the minus strand). VCF-style: chr2-55876725-C-T. GRCh37 (hg19) VCF-style: chr2-56103860-C-T.
Other names: c.778G>A, p.Ala260Thr (NM_001039349.3); short protein forms A260T.
Identifiers: ClinVar variation 2955381 (VCV002955381.3), dbSNP rs2465749444, ClinGen allele CA347029087.
Genomic context (GRCh38, chr2:55,876,725, plus strand): 5'-TGCACTGACAGATGAATGAACCAAGAATGTTGTAGCACTGCTGAGCACATTGATTGCTGG[C>T]ATCACATTCATTTATATCTGAAAAAAAGTTTTATATATATATATATGTATATGTATATAT-3'
Protein context (NP_001034437.1, residues 250-270): YTCVDINECD[Ala260Thr]SNQCAQQCYN

ClinVar aggregate classification (germline): Uncertain significance (1 of 4 stars; one submission).

Allele frequency attached by ClinVar (database versions not stated): gnomAD exomes below 0.00001.
gnomAD v4.1: 4 of 1,607,760 alleles (0.00025%); highest among the groups gnomAD compares: Non-Finnish European, 0.00034%; no homozygotes.

Submission:

Labcorp Genetics (formerly Invitae), Labcorp
Classification: Uncertain significance. Last evaluated: 2023-08-04. Review status: criteria provided, single submitter. Criteria: Invitae Variant Classification Sherloc (09022015). Collection method: clinical testing. Allele origin: germline.
Comment: This sequence change replaces alanine, which is neutral and non-polar, with threonine, which is neutral and polar, at codon 260 of the EFEMP1 protein (p.Ala260Thr). This variant is not present in population databases (gnomAD no frequency). This variant has not been reported in the literature in individuals affected with EFEMP1-related conditions. Advanced modeling of protein sequence and biophysical properties (such as structural, functional, and spatial information, amino acid conservation, physicochemical variation, residue mobility, and thermodynamic stability) performed at Invitae indicates that this missense variant is not expected to disrupt EFEMP1 protein function. In summary, the available evidence is currently insufficient to determine the role of this variant in disease. Therefore, it has been classified as a Variant of Uncertain Significance.